The following is an entry in ClinVar:

NM_000431.4(MVK):c.86del (p.Leu29fs)

Gene: MVK (mevalonate kinase; plus strand). Cytogenetic location: 12q24.11.
Variant type: Deletion.
Coding change: c.86del on transcript NM_000431.4 (MANE Select); coding-DNA position 86, one base deleted (T; older notation c.86delT).
Protein change: p.Leu29fs; shifts the reading frame from leucine 29.
Molecular consequence: frameshift variant.
Genome position (GRCh38, 1-based): chr12:109,576,005, T deleted. VCF-style (leftmost placement, unchanged base first): chr12-109576004-CT-C. GRCh37 (hg19) VCF-style: chr12-110013809-CT-C.
Other names: c.86del, p.Leu29fs (NM_001114185.3, NM_001301182.2); short protein forms L29fs.
Identifiers: ClinVar variation 97635 (VCV000097635.1), dbSNP rs104895381, ClinGen allele CA149924.

ClinVar aggregate classification (germline): not provided (0 of 4 stars; one submission).

Conditions:
Hyperimmunoglobulin D with periodic fever (HIDS). Also called: HYPERIMMUNOGLOBULINEMIA D AND PERIODIC FEVER SYNDROME; Hyperimmunoglobulinemia D; Hyperimmunoglobulinemia D with periodic fever. Identifiers: Orphanet 343, MedGen C0398691, MONDO:0009849, OMIM 260920.

Submission:

Unité médicale des maladies autoinflammatoires, CHRU Montpellier
No classification provided. Condition: Hyperimmunoglobulin D with periodic fever. Review status: no classification provided. Collection method: not provided. Allele origin: unknown.
Comment: also involved in OMIM 25117